The following is an entry in ClinVar:

ClinVar aggregate classification (germline): Likely pathogenic (1 of 4 stars; one submission).

Conditions:
Ectodermal dysplasia 11A, hypohidrotic/hair/tooth type, autosomal dominant. Identifiers: Orphanet 1810, Orphanet 238468, MedGen C3541517, MONDO:0013982, OMIM 614940.
Ectodermal dysplasia 11B, hypohidrotic/hair/tooth type, autosomal recessive. Identifiers: Orphanet 238468, Orphanet 248, MedGen C3539920, MONDO:0013983, OMIM 614941.

Submission:

Labcorp Genetics (formerly Invitae), Labcorp
Classification: Likely pathogenic for Ectodermal dysplasia 11B, hypohidrotic/hair/tooth type, autosomal recessive; Ectodermal dysplasia 11A, hypohidrotic/hair/tooth type, autosomal dominant. Last evaluated: 2021-10-06. Review status: criteria provided, single submitter. Criteria: Invitae Variant Classification Sherloc (09022015). Collection method: clinical testing. Allele origin: germline.
Comment: In summary, the currently available evidence indicates that the variant is pathogenic, but additional data are needed to prove that conclusively. Therefore, this variant has been classified as Likely Pathogenic. This variant has not been reported in the literature in individuals affected with EDARADD-related conditions. This variant results in a copy number gain of the genomic region encompassing exon(s) 5 of the EDARADD gene. While the exact position of this variant cannot be determined from the data, sub-genic copy number gains are generally in tandem (PMID: 25640679). This variant is predicted to be out-of-frame, and may result in an absent or disrupted protein product. Loss-of-function variants in EDARADD are known to be pathogenic (PMID: 11780064).

Literature cited by the submitters: PubMed 25640679; PubMed 11780064.

NC_000001.10:g.(?_236631511)_(236631596_?)dup

Gene: EDARADD (EDAR associated via death domain; plus strand). Cytogenetic location: 1q43.
Variant type: Duplication.
Identifiers: ClinVar variation 1347024 (VCV001347024.5).